The following is an entry in ClinVar:

ClinVar aggregate classification (germline): Uncertain significance (0 of 4 stars; one submission).

Conditions:
CAPN3-related disorder. Also called: CAPN3-related condition; CAPN3-related disorders. Identifiers: MedGen CN239245.

gnomAD v4.1: 3 of 1,614,058 alleles (0.00019%); highest among the groups gnomAD compares: Middle Eastern, 0.017%; no homozygotes.

Submission:

PreventionGenetics, part of Exact Sciences
Classification: Uncertain significance for CAPN3-related condition. Last evaluated: 2024-06-12. Review status: no assertion criteria provided. Collection method: clinical testing. Allele origin: germline.
Comment: The CAPN3 c.731C>T variant is predicted to result in the amino acid substitution p.Ala244Val. To our knowledge, this variant has not been reported in the literature or in a large population database, indicating this variant is rare. At this time, the clinical significance of this variant is uncertain due to the absence of conclusive functional and genetic evidence.

NM_000070.3(CAPN3):c.731C>T (p.Ala244Val)

Gene: CAPN3 (calpain 3; plus strand). Cytogenetic location: 15q15.1.
Variant type: single nucleotide variant.
Coding change: c.731C>T on transcript NM_000070.3 (MANE Select); coding-DNA position 731, C replaced by T.
Protein change: p.Ala244Val; replaces alanine 244 with valine.
Molecular consequence: missense variant.
Genome position (GRCh38, 1-based): chr15:42,389,026, C>T. VCF-style: chr15-42389026-C-T. GRCh37 (hg19) VCF-style: chr15-42681224-C-T.
Other names: c.731C>T, p.Ala244Val (NM_024344.2, NM_173087.2); short protein forms A244V.
Identifiers: ClinVar variation 3351370 (VCV003351370.1).